The following is an entry in ClinVar:

NM_001267550.2(TTN):c.6587G>A (p.Cys2196Tyr)

Gene: TTN (titin; minus strand). Cytogenetic location: 2q31.2.
Variant type: single nucleotide variant.
Coding change: c.6587G>A on transcript NM_001267550.2 (MANE Select); coding-DNA position 6587, G replaced by A.
Protein change: p.Cys2196Tyr; replaces cysteine 2196 with tyrosine.
Molecular consequence: missense variant.
Genome position (GRCh38, 1-based): chr2:178,775,124, C>T on the plus strand (G>A on the coding strand, the complement: TTN is on the minus strand). VCF-style: chr2-178775124-C-T. GRCh37 (hg19) VCF-style: chr2-179639851-C-T.
Other names: c.6587G>A, p.Cys2196Tyr (NM_001256850.1, NM_133378.4, NM_133379.5); c.6449G>A, p.Cys2150Tyr (NM_003319.4, NM_133432.3, NM_133437.4); c.6587G>A (NM_001267550.1); short protein forms C2196Y, C2150Y.
Identifiers: ClinVar variation 238826 (VCV000238826.5), dbSNP rs878854326, ClinGen allele CA10581902.
Genomic context (GRCh38, chr2:178,775,124, plus strand): 5'-TCATGAACCTCCATACCATCTTTATACCATTTCACTTTGACAAATGGTTCTGAAGTTTCA[C>T]ATTCAAAGGTTGCCATAGTGTCTTTTTCCTTAGCAACAACATCTTGTAATTCCTGTGTGA-3'
Protein context (NP_001254479.2, residues 2186-2206): KEKDTMATFE[Cys2196Tyr]ETSEPFVKVK

ClinVar aggregate classification (germline): Uncertain significance. Review status: criteria provided, multiple submitters, no conflicts (2 of 4 stars). 2 submissions from 2 submitters: Uncertain significance (2). Last evaluated 2024-08-12.

Conditions:
Autosomal recessive limb-girdle muscular dystrophy type 2J (LGMDR10). Also called: Limb-girdle muscular dystrophy, type 2J; MUSCULAR DYSTROPHY, LIMB-GIRDLE, AUTOSOMAL RECESSIVE 10. Identifiers: Orphanet 140922, MedGen C1837342, MONDO:0012127, OMIM 608807.
Dilated cardiomyopathy 1G (CMD1G). Identifiers: Orphanet 154, MedGen C1858763, MONDO:0011400, OMIM 604145.

Allele frequency attached by ClinVar (database versions not stated): gnomAD exomes below 0.00001 and 0.00001; gnomAD 0.00001; TOPMed 0.00002.
gnomAD v4.1: 5 of 1,613,896 alleles (0.00031%); highest among the groups gnomAD compares: Admixed American, 0.0067%; no homozygotes.

Submissions (2):

GeneDx
Classification: Uncertain significance. Last evaluated: 2024-08-12. Review status: criteria provided, single submitter. Criteria: GeneDx Variant Classification Process June 2021. Collection method: clinical testing. Allele origin: germline. Affected: yes.
Comment: Not observed at significant frequency in large population cohorts (gnomAD); Missense variant in a gene in which most reported pathogenic variants are truncating/loss of function; Has not been previously published as pathogenic or benign to our knowledge

Labcorp Genetics (formerly Invitae), Labcorp
Classification: Uncertain significance for Dilated cardiomyopathy 1G; Autosomal recessive limb-girdle muscular dystrophy type 2J. Last evaluated: 2017-12-06. Review status: criteria provided, single submitter. Criteria: Invitae Variant Classification Sherloc (09022015). Collection method: clinical testing. Allele origin: germline.